The following is an entry in ClinVar:

ClinVar aggregate classification (germline): Uncertain significance (1 of 4 stars; one submission).

Conditions:
Hypertrophic cardiomyopathy. Also called: HYPERTROPHIC MYOCARDIOPATHY. Identifiers: Orphanet 217569, MedGen C0007194, MeSH D002312, MONDO:0005045, HP:0001639.

Submission:

Labcorp Genetics (formerly Invitae), Labcorp
Classification: Uncertain significance for Hypertrophic cardiomyopathy. Last evaluated: 2021-06-13. Review status: criteria provided, single submitter. Criteria: Invitae Variant Classification Sherloc (09022015). Collection method: clinical testing. Allele origin: germline.
Comment: In summary, the available evidence is currently insufficient to determine the role of this variant in disease. Therefore, it has been classified as a Variant of Uncertain Significance. This variant is found within a region of MYH7 between codons 181 and 937 that contains the majority of the myosin head domain. Missense variants in this region have been shown to be significantly overrepresented in individuals with hypertrophic cardiomyopathy (PMID: 27532257). Algorithms developed to predict the effect of missense changes on protein structure and function (SIFT, PolyPhen-2, Align-GVGD) all suggest that this variant is likely to be disruptive, but these predictions have not been confirmed by published functional studies and their clinical significance is uncertain. This variant has been observed in an individual affected with hypertrophic cardiomyopathy (PMID: 27247418). This variant is not present in population databases (ExAC no frequency). This sequence change replaces leucine with proline at codon 769 of the MYH7 protein (p.Leu769Pro). The leucine residue is highly conserved and there is a moderate physicochemical difference between leucine and proline.

Literature cited by the submitters: PubMed 27532257; PubMed 27247418.

NM_000257.4(MYH7):c.2306T>C (p.Leu769Pro)

Genes: MYH7 (myosin heavy chain 7; minus strand), LOC126861898 (BRD4-independent group 4 enhancer GRCh37_chr14:23893609-23894808; plus strand). Cytogenetic location: 14q11.2.
Variant type: single nucleotide variant.
Coding change: c.2306T>C on transcript NM_000257.4 (MANE Select); coding-DNA position 2306, T replaced by C.
Protein change: p.Leu769Pro; replaces leucine 769 with proline.
Molecular consequence: missense variant.
Genome position (GRCh38, 1-based): chr14:23,425,399, A>G on the plus strand (T>C on the coding strand, the complement: MYH7 is on the minus strand). VCF-style: chr14-23425399-A-G. GRCh37 (hg19) VCF-style: chr14-23894608-A-G.
Other names: short protein forms L769P.
Identifiers: ClinVar variation 961457 (VCV000961457.10), dbSNP rs1892654331, ClinGen allele CA389048688.